The following is an entry in ClinVar:

NM_015443.4(KANSL1):c.1857G>C (p.Arg619=)

Gene: KANSL1 (KAT8 regulatory NSL complex subunit 1). Cytogenetic location: 17q21.31.
Variant type: single nucleotide variant.
Coding change: c.1857G>C on transcript NM_015443.4 (MANE Select); coding-DNA position 1857, G replaced by C.
Protein change: p.Arg619=; no amino-acid change (arginine 619 retained).
Molecular consequence: synonymous variant.
Genome position (GRCh38, 1-based): chr17:46,050,696, C>G on the plus strand (G>C on the coding strand, the complement: KANSL1 is on the minus strand). VCF-style: chr17-46050696-C-G. GRCh37 (hg19) VCF-style: chr17-44128062-C-G.
Other names: c.1857G>C (NM_001193466.1); c.1857G>C, p.Arg619= (NM_001193465.2, NM_001193466.2, NM_001379198.1).
Identifiers: ClinVar variation 1116432 (VCV001116432.10), dbSNP rs191986791, ClinGen allele CA8618696.

ClinVar aggregate classification (germline): Benign/Likely benign. Review status: criteria provided, multiple submitters, no conflicts (2 of 4 stars). 2 submissions from 2 submitters: Benign (1); Likely benign (1). Last evaluated 2025-06-12.

Conditions:
Koolen-de Vries syndrome (KDVS). Identifiers: Orphanet 96169, MedGen C1864871, MONDO:0012496, OMIM 610443.

Allele frequency attached by ClinVar (database versions not stated): 1000 Genomes Project 30x 0.00016; 1000 Genomes Project 0.00020.
gnomAD v4.1: 197 of 1,607,388 alleles (0.012%); highest among the groups gnomAD compares: Non-Finnish European, 0.016%; 1 homozygote.

Submissions (2):

Labcorp Genetics (formerly Invitae), Labcorp
Classification: Likely benign for Koolen-de Vries syndrome. Last evaluated: 2025-06-12. Review status: criteria provided, single submitter. Criteria: Invitae Variant Classification Sherloc (09022015). Collection method: clinical testing. Allele origin: germline.

Athena Diagnostics
Classification: Benign. Last evaluated: 2024-12-24. Review status: criteria provided, single submitter. Criteria: Athena Diagnostics Criteria. Collection method: clinical testing. Allele origin: unknown.
Comment: The frequency of this variant in the general population is higher than would generally be expected for pathogenic variants in this gene. Computational tools yielded predictions that this variant is unlikely to have an effect on normal RNA splicing. This nucleotide position exhibits low evolutionary conservation.

Literature cited by the submitters: PubMed 32829096 (cited by Athena Diagnostics); PubMed 32827758 (cited by Athena Diagnostics).